The following is an entry in ClinVar:

NC_012920.1(MT-CYB):m.14790A>G

Gene: MT-CYB (mitochondrially encoded cytochrome b; plus strand).
Variant type: single nucleotide variant.
Genome position: chrM-14790-A-G.
Identifiers: ClinVar variation 693764 (VCV000693764.1), dbSNP rs1603224887, ClinGen allele CA913172094.

ClinVar aggregate classification (germline): Benign (1 of 4 stars; one submission).

Conditions:
Leigh syndrome (NULS). Also called: Leigh's necrotizing encephalopathy; Leigh's disease; Leigh's syndrome; LEIGH SYNDROME, NUCLEAR; Leigh Syndrome (mtDNA deletion); Leigh Disease. Identifiers: Orphanet 506, MedGen C2931891, MONDO:0009723, OMIM 256000.

Submission:

Wong Mito Lab, Molecular and Human Genetics, Baylor College of Medicine
Classification: Benign for Leigh syndrome. Last evaluated: 2019-10-17. Review status: criteria provided, single submitter. Criteria: Modified ACMG Guidelines (Unpublished). Collection method: clinical testing. Allele origin: germline.
Comment: The NC_012920.1:m.14790A>G (YP_003024038.1:p.Asn15Ser) variant in MTCYB gene is interpretated to be a Benign variant based on the modified ACMG guidelines (unpublished). This variant meets the following evidence codes: BS1, BS2, BP4